The following is an entry in ClinVar:

NM_001267550.2(TTN):c.80949T>C (p.Asp26983=)

Genes: TTN (titin; minus strand), TTN-AS1 (TTN antisense RNA 1; plus strand). Cytogenetic location: 2q31.2.
Variant type: single nucleotide variant.
Coding change: c.80949T>C on transcript NM_001267550.2 (MANE Select); coding-DNA position 80949, T replaced by C.
Protein change: p.Asp26983=; no amino-acid change (aspartic acid 26983 retained).
Molecular consequence: synonymous variant.
Genome position (GRCh38, 1-based): chr2:178,565,183, A>G on the plus strand (T>C on the coding strand, the complement: TTN is on the minus strand). VCF-style: chr2-178565183-A-G. GRCh37 (hg19) VCF-style: chr2-179429910-A-G.
Other names: c.76026T>C, p.Asp25342= (NM_001256850.1); c.53754T>C, p.Asp17918= (NM_003319.4); c.73245T>C, p.Asp24415= (NM_133378.4); c.54129T>C, p.Asp18043= (NM_133432.3); c.54330T>C, p.Asp18110= (NM_133437.4).
Identifiers: ClinVar variation 1127329 (VCV001127329.34), dbSNP rs775115560, ClinGen allele CA1989273.

ClinVar aggregate classification (germline): Likely benign. Review status: criteria provided, multiple submitters, no conflicts (2 of 4 stars). 4 submissions from 4 submitters: Likely benign (4). Last evaluated 2026-03-20.

Conditions:
Cardiovascular phenotype. Identifiers: MedGen CN230736.
Dilated cardiomyopathy 1G (CMD1G). Identifiers: Orphanet 154, MedGen C1858763, MONDO:0011400, OMIM 604145.
Autosomal recessive limb-girdle muscular dystrophy type 2J (LGMDR10). Also called: MUSCULAR DYSTROPHY, LIMB-GIRDLE, AUTOSOMAL RECESSIVE 10; Limb-girdle muscular dystrophy, type 2J. Identifiers: Orphanet 140922, MedGen C1837342, MONDO:0012127, OMIM 608807.

Allele frequency attached by ClinVar (database versions not stated): ExAC 0.00003; TOPMed 0.00004; gnomAD exomes 0.00001 and 0.00002.
gnomAD v4.1: 19 of 1,613,404 alleles (0.0012%); highest among the groups gnomAD compares: East Asian, 0.031%; no homozygotes.

Submissions (4):

Women's Health and Genetics/Laboratory Corporation of America, LabCorp
Classification: Likely benign. Last evaluated: 2026-03-20. Review status: criteria provided, single submitter. Criteria: LabCorp Variant Classification Summary - May 2015. Collection method: clinical testing. Allele origin: germline.

Labcorp Genetics (formerly Invitae), Labcorp
Classification: Likely benign for Dilated cardiomyopathy 1G; Autosomal recessive limb-girdle muscular dystrophy type 2J. Last evaluated: 2025-08-18. Review status: criteria provided, single submitter. Criteria: Invitae Variant Classification Sherloc (09022015). Collection method: clinical testing. Allele origin: germline.

CeGaT Center for Human Genetics Tuebingen
Classification: Likely benign. Last evaluated: 2023-12-01. Review status: criteria provided, single submitter. Criteria: CeGaT Center For Human Genetics Tuebingen Variant Classification Criteria Version 2. Collection method: clinical testing. Allele origin: germline. Affected: yes. Observed: 1 variant allele.
Comment: TTN: BP4, BP7

Ambry Genetics
Classification: Likely benign for Cardiovascular phenotype. Last evaluated: 2021-06-25. Review status: criteria provided, single submitter. Criteria: Ambry Variant Classification Scheme 2023. Collection method: clinical testing. Allele origin: germline.